The following is an entry in ClinVar:

ClinVar aggregate classification (germline): Likely pathogenic (1 of 4 stars; one submission).

Conditions:
Developmental and epileptic encephalopathy, 5 (DEE5). Identifiers: Orphanet 3451, MedGen C3150731, MONDO:0013277, OMIM 613477.

Submission:

MVZ Medizinische Genetik Mainz
Classification: Likely pathogenic for Developmental and epileptic encephalopathy, 5. Last evaluated: 2023-04-19. Review status: criteria provided, single submitter. Criteria: UK Practice Guidelines For Variant Classification V4 01 2020. Collection method: clinical testing. Allele origin: germline. Inheritance: Autosomal dominant inheritance. Affected: yes. Observed: 1 variant allele.
Comment: PVS1,PM2_SUP

NM_001130438.3(SPTAN1):c.3007-2A>G

Gene: SPTAN1 (spectrin alpha, non-erythrocytic 1; plus strand). Cytogenetic location: 9q34.11.
Variant type: single nucleotide variant.
Coding change: c.3007-2A>G on transcript NM_001130438.3 (MANE Select); the canonical splice acceptor site of the intron before coding-DNA position 3007, A replaced by G.
Molecular consequence: splice acceptor variant.
Genome position (GRCh38, 1-based): chr9:128,591,475, A>G. VCF-style: chr9-128591475-A-G. GRCh37 (hg19) VCF-style: chr9-131353754-A-G.
Other names: c.3043-2A>G (NM_001375318.1, NM_001375312.2); c.3007-2A>G (NM_001375311.2, NM_001375314.2, NM_001375310.1 and 5 more transcripts).
Identifiers: ClinVar variation 3061890 (VCV003061890.1), dbSNP rs2541398728, ClinGen allele CA375060016.